The following is an entry in ClinVar:

NM_003280.3(TNNC1):c.137G>A (p.Arg46Lys)

Gene: TNNC1 (troponin C1, slow skeletal and cardiac type; minus strand). Cytogenetic location: 3p21.1.
Variant type: single nucleotide variant.
Coding change: c.137G>A on transcript NM_003280.3 (MANE Select); coding-DNA position 137, G replaced by A.
Protein change: p.Arg46Lys; replaces arginine 46 with lysine.
Molecular consequence: missense variant.
Genome position (GRCh38, 1-based): chr3:52,452,171, C>T on the plus strand (G>A on the coding strand, the complement: TNNC1 is on the minus strand). VCF-style: chr3-52452171-C-T. GRCh37 (hg19) VCF-style: chr3-52486187-C-T.
Other names: short protein forms R46K.
Identifiers: ClinVar variation 3763762 (VCV003763762.4).
Genomic context (GRCh38, chr3:52,452,171, plus strand): 5'-TCGTCCACCTCATCGATCATCTCCTGCAGCTCCTCAGGGGTGGGGTTCTGGCCCAGCATC[C>T]TCATCACCTTGCCCAGCTCCTTGGTGCTGATGCAGCCATCCTCAGCGCCCAGCACGAAGA-3'
Protein context (NP_003271.1, residues 36-56): ISTKELGKVM[Arg46Lys]MLGQNPTPEE

ClinVar aggregate classification (germline): Uncertain significance (1 of 4 stars; one submission).

Conditions:
Dilated cardiomyopathy 1Z (CMD1Z). Identifiers: Orphanet 154, MedGen C2678475, MONDO:0012745, OMIM 611879.
Hypertrophic cardiomyopathy 13. Also called: TNNC1-Related Familial Hypertrophic Cardiomyopathy. Identifiers: MedGen C2750472, MONDO:0013195, OMIM 613243.

Submission:

Labcorp Genetics (formerly Invitae), Labcorp
Classification: Uncertain significance for Hypertrophic cardiomyopathy 13; Dilated cardiomyopathy 1Z. Last evaluated: 2024-03-16. Review status: criteria provided, single submitter. Criteria: Invitae Variant Classification Sherloc (09022015). Collection method: clinical testing. Allele origin: germline.
Comment: This sequence change replaces arginine, which is basic and polar, with lysine, which is basic and polar, at codon 46 of the TNNC1 protein (p.Arg46Lys). This variant is not present in population databases (gnomAD no frequency). This variant has not been reported in the literature in individuals affected with TNNC1-related conditions. An algorithm developed to predict the effect of missense changes on protein structure and function (PolyPhen-2) suggests that this variant is likely to be disruptive. In summary, the available evidence is currently insufficient to determine the role of this variant in disease. Therefore, it has been classified as a Variant of Uncertain Significance.